The following is an entry in ClinVar:

NM_014249.4(NR2E3):c.371C>G (p.Pro124Arg)

Gene: NR2E3 (nuclear receptor subfamily 2 group E member 3; plus strand). Cytogenetic location: 15q23.
Variant type: single nucleotide variant.
Coding change: c.371C>G on transcript NM_014249.4 (MANE Select); coding-DNA position 371, C replaced by G.
Protein change: p.Pro124Arg; replaces proline 124 with arginine.
Molecular consequence: missense variant.
Genome position (GRCh38, 1-based): chr15:71,811,976, C>G. VCF-style: chr15-71811976-C-G. GRCh37 (hg19) VCF-style: chr15-72104316-C-G.
Other names: c.371C>G, p.Pro124Arg (NM_016346.4); short protein forms P124R.
Identifiers: ClinVar variation 2190138 (VCV002190138.4), dbSNP rs958455222, ClinGen allele CA393033836.

ClinVar aggregate classification (germline): Uncertain significance (1 of 4 stars; one submission).

gnomAD v4.1: 2 of 1,552,258 alleles (0.00013%); highest among the groups gnomAD compares: Non-Finnish European, 0.00017%; no homozygotes.

Submission:

Labcorp Genetics (formerly Invitae), Labcorp
Classification: Uncertain significance. Last evaluated: 2024-08-08. Review status: criteria provided, single submitter. Criteria: Invitae Variant Classification Sherloc (09022015). Collection method: clinical testing. Allele origin: germline.
Comment: This sequence change replaces proline, which is neutral and non-polar, with arginine, which is basic and polar, at codon 124 of the NR2E3 protein (p.Pro124Arg). This variant is not present in population databases (gnomAD no frequency). This variant has not been reported in the literature in individuals affected with NR2E3-related conditions. ClinVar contains an entry for this variant (Variation ID: 2190138). Advanced modeling of protein sequence and biophysical properties (such as structural, functional, and spatial information, amino acid conservation, physicochemical variation, residue mobility, and thermodynamic stability) performed at Invitae indicates that this missense variant is not expected to disrupt NR2E3 protein function with a negative predictive value of 80%. In summary, the available evidence is currently insufficient to determine the role of this variant in disease. Therefore, it has been classified as a Variant of Uncertain Significance.